The following is an entry in ClinVar:

ClinVar aggregate classification (germline): Uncertain significance. Review status: criteria provided, multiple submitters, no conflicts (2 of 4 stars). 3 submissions from 3 submitters: Uncertain significance (3). Last evaluated 2022-09-06.

Conditions:
Charcot-Marie-Tooth disease axonal type 2O. Also called: CHARCOT-MARIE-TOOTH NEUROPATHY, AXONAL, TYPE 2O; CHARCOT-MARIE-TOOTH DISEASE, AXONAL, AUTOSOMAL DOMINANT, TYPE 2O; Charcot-Marie-Tooth disease, axonal, type 20; Charcot-Marie-Tooth Neuropathy Type 2O. Identifiers: Orphanet 284232, MedGen C3280220, MONDO:0013644, OMIM 614228.
Inborn genetic diseases. Identifiers: MedGen C0950123, MeSH D030342.

Allele frequency attached by ClinVar (database versions not stated): gnomAD exomes below 0.00001.
gnomAD v4.1: 2 of 1,614,100 alleles (0.00012%); highest among the groups gnomAD compares: Non-Finnish European, 0.000085%; no homozygotes.

Submissions (3):

Labcorp Genetics (formerly Invitae), Labcorp
Classification: Uncertain significance for Charcot-Marie-Tooth disease axonal type 2O. Last evaluated: 2022-09-06. Review status: criteria provided, single submitter. Criteria: Invitae Variant Classification Sherloc (09022015). Collection method: clinical testing. Allele origin: germline.
Comment: In summary, the available evidence is currently insufficient to determine the role of this variant in disease. Therefore, it has been classified as a Variant of Uncertain Significance. Algorithms developed to predict the effect of missense changes on protein structure and function (SIFT, PolyPhen-2, Align-GVGD) all suggest that this variant is likely to be disruptive. ClinVar contains an entry for this variant (Variation ID: 986270). This variant has not been reported in the literature in individuals affected with DYNC1H1-related conditions. This variant is not present in population databases (gnomAD no frequency). This sequence change replaces arginine, which is basic and polar, with cysteine, which is neutral and slightly polar, at codon 3741 of the DYNC1H1 protein (p.Arg3741Cys).

GeneDx
Classification: Uncertain significance. Last evaluated: 2021-11-10. Review status: criteria provided, single submitter. Criteria: GeneDx Variant Classification Process June 2021. Collection method: clinical testing. Allele origin: germline. Affected: yes.
Comment: Not observed at significant frequency in large population cohorts (Lek et al., 2016); In silico analysis supports that this missense variant has a deleterious effect on protein structure/function; Has not been previously published as pathogenic or benign to our knowledge; This variant is associated with the following publications: (PMID: 25512093, 25609763, 26100331)

Ambry Genetics
Classification: Uncertain significance for Inborn genetic diseases. Last evaluated: 2019-10-09. Review status: criteria provided, single submitter. Criteria: Ambry exome assertion method (8-5-2015). Collection method: clinical testing. Allele origin: germline. Affected: yes. Observed: 1 variant allele.

NM_001376.5(DYNC1H1):c.11221C>T (p.Arg3741Cys)

Gene: DYNC1H1 (dynein cytoplasmic 1 heavy chain 1; plus strand). Cytogenetic location: 14q32.31.
Variant type: single nucleotide variant.
Coding change: c.11221C>T on transcript NM_001376.5 (MANE Select); coding-DNA position 11221, C replaced by T.
Protein change: p.Arg3741Cys; replaces arginine 3741 with cysteine.
Molecular consequence: missense variant.
Genome position (GRCh38, 1-based): chr14:102,039,015, C>T. VCF-style: chr14-102039015-C-T. GRCh37 (hg19) VCF-style: chr14-102505352-C-T.
Other names: short protein forms R3741C.
Identifiers: ClinVar variation 986270 (VCV000986270.9), dbSNP rs2048610848, ClinGen allele CA391032959.